The following is an entry in ClinVar:

NM_021252.5(RAB18):c.532A>T (p.Ser178Cys)

Gene: RAB18 (RAB18, member RAS oncogene family; plus strand). Cytogenetic location: 10p12.1.
Variant type: single nucleotide variant.
Coding change: c.532A>T on transcript NM_021252.5 (MANE Select); coding-DNA position 532, A replaced by T.
Protein change: p.Ser178Cys; replaces serine 178 with cysteine.
Molecular consequence: missense variant. On other transcripts: non-coding transcript variant (1).
Genome position (GRCh38, 1-based): chr10:27,537,962, A>T. VCF-style: chr10-27537962-A-T. GRCh37 (hg19) VCF-style: chr10-27826891-A-T.
Other names: c.619A>T, p.Ser207Cys (NM_001256410.2); c.465A>T, p.Lys155Asn (NM_001256411.2); c.340A>T, p.Ser114Cys (NM_001256412.2); short protein forms K155N, S114C, S178C, S207C.
Identifiers: ClinVar variation 2053278 (VCV002053278.4), dbSNP rs2491662532, ClinGen allele CA376385982.

ClinVar aggregate classification (germline): Uncertain significance (1 of 4 stars; one submission).

Allele frequency attached by ClinVar (database versions not stated): gnomAD exomes below 0.00001.
gnomAD v4.1: 2 of 1,614,152 alleles (0.00012%); highest among the groups gnomAD compares: Non-Finnish European, 0.00017%; no homozygotes.

Submission:

Labcorp Genetics (formerly Invitae), Labcorp
Classification: Uncertain significance. Last evaluated: 2021-12-22. Review status: criteria provided, single submitter. Criteria: Invitae Variant Classification Sherloc (09022015). Collection method: clinical testing. Allele origin: germline.
Comment: Advanced modeling of protein sequence and biophysical properties (such as structural, functional, and spatial information, amino acid conservation, physicochemical variation, residue mobility, and thermodynamic stability) performed at Invitae indicates that this missense variant is not expected to disrupt RAB18 protein function. In summary, the available evidence is currently insufficient to determine the role of this variant in disease. Therefore, it has been classified as a Variant of Uncertain Significance. This sequence change replaces serine, which is neutral and polar, with cysteine, which is neutral and slightly polar, at codon 178 of the RAB18 protein (p.Ser178Cys). This variant is not present in population databases (gnomAD no frequency). This variant has not been reported in the literature in individuals affected with RAB18-related conditions.